The following is an entry in ClinVar:

ClinVar aggregate classification (germline): Uncertain significance. Review status: criteria provided, multiple submitters, no conflicts (2 of 4 stars). 2 submissions from 2 submitters: Uncertain significance (2). Last evaluated 2024-10-21.

Conditions:
Inborn genetic diseases. Identifiers: MedGen C0950123, MeSH D030342.

Allele frequency attached by ClinVar (database versions not stated): ExAC 0.00015; gnomAD 0.00003 and 0.00004; TOPMed 0.00005; ESP Exome Variant Server 0.00008; gnomAD exomes 0.00009 and 0.00011.

Submissions (2):

Labcorp Genetics (formerly Invitae), Labcorp
Classification: Uncertain significance. Last evaluated: 2024-10-21. Review status: criteria provided, single submitter. Criteria: Invitae Variant Classification Sherloc (09022015). Collection method: clinical testing. Allele origin: germline.
Comment: This sequence change replaces proline, which is neutral and non-polar, with serine, which is neutral and polar, at codon 2787 of the PCLO protein (p.Pro2787Ser). This variant is present in population databases (rs373260664, gnomAD 0.06%), including at least one homozygous and/or hemizygous individual. This variant has not been reported in the literature in individuals affected with PCLO-related conditions. ClinVar contains an entry for this variant (Variation ID: 1419203). Experimental studies and prediction algorithms are not available or were not evaluated, and the functional significance of this variant is currently unknown. In summary, the available evidence is currently insufficient to determine the role of this variant in disease. Therefore, it has been classified as a Variant of Uncertain Significance.

Ambry Genetics
Classification: Uncertain significance for Inborn genetic diseases. Last evaluated: 2023-09-12. Review status: criteria provided, single submitter. Criteria: Ambry Variant Classification Scheme 2023. Collection method: clinical testing. Allele origin: germline.

NM_033026.6(PCLO):c.8359C>T (p.Pro2787Ser)

Gene: PCLO (piccolo presynaptic cytomatrix protein; minus strand). Cytogenetic location: 7q21.11.
Variant type: single nucleotide variant.
Coding change: c.8359C>T on transcript NM_033026.6 (MANE Select); coding-DNA position 8359, C replaced by T.
Protein change: p.Pro2787Ser; replaces proline 2787 with serine.
Molecular consequence: missense variant.
Genome position (GRCh38, 1-based): chr7:82,952,594, G>A on the plus strand (C>T on the coding strand, the complement: PCLO is on the minus strand). VCF-style: chr7-82952594-G-A. GRCh37 (hg19) VCF-style: chr7-82581910-G-A.
Other names: c.8359C>T, p.Pro2787Ser (NM_014510.3); c.8359C>T (NM_033026.5); short protein forms P2787S.
Identifiers: ClinVar variation 1419203 (VCV001419203.7), dbSNP rs373260664, ClinGen allele CA4320132.